The following is an entry in ClinVar:

ClinVar aggregate classification (germline): Uncertain significance (1 of 4 stars; one submission).

Conditions:
Lethal congenital glycogen storage disease of heart. Also called: PHOSPHORYLASE KINASE DEFICIENCY OF HEART; GLYCOGEN STORAGE DISEASE OF HEART. Identifiers: Orphanet 439854, MedGen C1849813, MONDO:0009867, OMIM 261740.

Submission:

Labcorp Genetics (formerly Invitae), Labcorp
Classification: Uncertain significance for Lethal congenital glycogen storage disease of heart. Last evaluated: 2018-11-08. Review status: criteria provided, single submitter. Criteria: Invitae Variant Classification Sherloc (09022015). Collection method: clinical testing. Allele origin: germline.
Comment: In summary, the available evidence is currently insufficient to determine the role of this variant in disease. Therefore, it has been classified as a Variant of Uncertain Significance. Algorithms developed to predict the effect of missense changes on protein structure and function (SIFT, PolyPhen-2, Align-GVGD) all suggest that this variant is likely to be tolerated, but these predictions have not been confirmed by published functional studies and their clinical significance is uncertain. This variant has not been reported in the literature in individuals with PRKAG2-related disease. This variant is not present in population databases (ExAC no frequency). This sequence change replaces glutamic acid with lysine at codon 239 of the PRKAG2 protein (p.Glu239Lys). The glutamic acid residue is weakly conserved and there is a small physicochemical difference between glutamic acid and lysine.

NM_016203.4(PRKAG2):c.715G>A (p.Glu239Lys)

Genes: PRKAG2 (protein kinase AMP-activated non-catalytic subunit gamma 2; minus strand), LOC129999660 (ATAC-STARR-seq lymphoblastoid silent region 18823; plus strand). Cytogenetic location: 7q36.1.
Variant type: single nucleotide variant.
Coding change: c.715G>A on transcript NM_016203.4 (MANE Select); coding-DNA position 715, G replaced by A.
Protein change: p.Glu239Lys; replaces glutamic acid 239 with lysine.
Molecular consequence: missense variant. On other transcripts: 5 prime UTR variant (2).
Genome position (GRCh38, 1-based): chr7:151,632,108, C>T on the plus strand (G>A on the coding strand, the complement: PRKAG2 is on the minus strand). VCF-style: chr7-151632108-C-T. GRCh37 (hg19) VCF-style: chr7-151329194-C-T.
Other names: c.343G>A, p.Glu115Lys (NM_001304527.2, NM_001363698.2); c.-9G>A (NM_001304531.2, NM_024429.2); c.583G>A, p.Glu195Lys (NM_001040633.2); short protein forms E115K, E195K, E239K.
Identifiers: ClinVar variation 665806 (VCV000665806.8), dbSNP rs1271179381, ClinGen allele CA370071291.
Genomic context (GRCh38, chr7:151,632,108, plus strand): 5'-CAGCGGGCGGGGCGCACTCACCTTCGTCCTCGAACTCCAGCTTCTCCAGCATGCCGGCTT[C>T]CGCGGGTCCCAGGGCCGCCGCCAGCGCCGCCTGAGGGGGAGGAGGAGGACAGCGATCAGC-3'
Protein context (NP_057287.2, residues 229-249): AALAAALGPA[Glu239Lys]AGMLEKLEFE